The following is an entry in ClinVar:

NM_001853.4(COL9A3):c.122G>C (p.Gly41Ala)

Gene: COL9A3 (collagen type IX alpha 3 chain; plus strand). Cytogenetic location: 20q13.33.
Variant type: single nucleotide variant.
Coding change: c.122G>C on transcript NM_001853.4 (MANE Select); coding-DNA position 122, G replaced by C.
Protein change: p.Gly41Ala; replaces glycine 41 with alanine.
Molecular consequence: missense variant.
Genome position (GRCh38, 1-based): chr20:62,817,610, G>C. VCF-style: chr20-62817610-G-C. GRCh37 (hg19) VCF-style: chr20-61448962-G-C.
Other names: short protein forms G41A.
Identifiers: ClinVar variation 2173864 (VCV002173864.4), dbSNP rs1008899967, ClinGen allele CA409587163.

ClinVar aggregate classification (germline): Uncertain significance (1 of 4 stars; one submission).

Allele frequency attached by ClinVar (database versions not stated): gnomAD 0.00001.
gnomAD v4.1: 11 of 1,547,098 alleles (0.00071%); highest among the groups gnomAD compares: African/African-American, 0.0041%; no homozygotes.

Submission:

Labcorp Genetics (formerly Invitae), Labcorp
Classification: Uncertain significance. Last evaluated: 2022-03-14. Review status: criteria provided, single submitter. Criteria: Invitae Variant Classification Sherloc (09022015). Collection method: clinical testing. Allele origin: germline.
Comment: This sequence change replaces glycine, which is neutral and non-polar, with alanine, which is neutral and non-polar, at codon 41 of the COL9A3 protein (p.Gly41Ala). This variant is not present in population databases (gnomAD no frequency). This variant has not been reported in the literature in individuals affected with COL9A3-related conditions. Advanced modeling of protein sequence and biophysical properties (such as structural, functional, and spatial information, amino acid conservation, physicochemical variation, residue mobility, and thermodynamic stability) performed at Invitae indicates that this missense variant is expected to disrupt COL9A3 protein function. In summary, the available evidence is currently insufficient to determine the role of this variant in disease. Therefore, it has been classified as a Variant of Uncertain Significance.